The following is an entry in ClinVar:

ClinVar aggregate classification (germline): Uncertain significance. Review status: criteria provided, multiple submitters, no conflicts (2 of 4 stars). 4 submissions from 4 submitters: Uncertain significance (3). 1 of the submissions does not count toward it. Last evaluated 2025-11-24.

Conditions:
Muscle eye brain disease (MEB). Also called: Santavuori congenital muscular dystrophy. Identifiers: Orphanet 588, Orphanet 899, MedGen C0457133, MONDO:0018939.
Autosomal recessive limb-girdle muscular dystrophy type 2O. Also called: Limb-Girdle Muscular Dystrophy Type 3C; MUSCULAR DYSTROPHY-DYSTROGLYCANOPATHY, LIMB-GIRDLE, POMGNT1-RELATED; MUSCULAR DYSTROPHY-DYSTROGLYCANOPATHY (LIMB-GIRDLE), TYPE C, 3. Identifiers: Orphanet 206564, MedGen C3150417, MONDO:0013161, OMIM 613157.
Muscular dystrophy-dystroglycanopathy (congenital with impaired intellectual development), type B, 3. Also called: Muscular dystrophy-dystroglycanopathy (congenital with intellectual disability), type B3; MUSCULAR DYSTROPHY, CONGENITAL, POMGNT1-RELATED. Identifiers: MedGen C3150412, MONDO:0013155, OMIM 613151.

Allele frequency attached by ClinVar (database versions not stated): gnomAD exomes 0.00001; gnomAD 0.00001; TOPMed 0.00002; ExAC 0.00002.
gnomAD v4.1: 23 of 1,614,076 alleles (0.0014%); highest among the groups gnomAD compares: Non-Finnish European, 0.0018%; no homozygotes.

Submissions (4):

Labcorp Genetics (formerly Invitae), Labcorp
Classification: Uncertain significance for Autosomal recessive limb-girdle muscular dystrophy type 2O; Muscular dystrophy-dystroglycanopathy (congenital with impaired intellectual development), type B, 3. Last evaluated: 2025-11-24. Review status: criteria provided, single submitter. Criteria: Invitae Variant Classification Sherloc (09022015). Collection method: clinical testing. Allele origin: germline.
Comment: This sequence change falls in intron 8 of the POMGNT1 gene. It does not directly change the encoded amino acid sequence of the POMGNT1 protein. It affects a nucleotide within the consensus splice site. This variant is present in population databases (rs768307488, gnomAD 0.002%). This variant has not been reported in the literature in individuals affected with POMGNT1-related conditions. ClinVar contains an entry for this variant (Variation ID: 596021). Variants that disrupt the consensus splice site are a relatively common cause of aberrant splicing (PMID: 17576681, 9536098). Algorithms developed to predict the effect of sequence changes on RNA splicing suggest that this variant is not likely to affect RNA splicing. In summary, the available evidence is currently insufficient to determine the role of this variant in disease. Therefore, it has been classified as a Variant of Uncertain Significance.

Women's Health and Genetics/Laboratory Corporation of America, LabCorp
Classification: Uncertain significance. Last evaluated: 2025-04-08. Review status: criteria provided, single submitter. Criteria: LabCorp Variant Classification Summary - May 2015. Collection method: clinical testing. Allele origin: germline.
Comment: Variant summary: POMGNT1 c.751+4G>C alters a nucleotide located close to a canonical splice site and therefore could affect mRNA splicing, leading to a significantly altered protein sequence. Consensus agreement among computation tools predict no significant impact on normal splicing. However, these predictions have yet to be confirmed by functional studies. The variant allele was found at a frequency of 1.2e-05 in 251430 control chromosomes (gnomAD). The available data on variant occurrences in the general population are insufficient to allow any conclusion about variant significance. To our knowledge, no occurrence of c.751+4G>C in individuals affected with Muscular dystrophy-dystroglycanopathy (congenital with brain and eye anomalies), type A3 and no experimental evidence demonstrating its impact on protein function have been reported. ClinVar contains an entry for this variant (Variation ID: 596021). Based on the evidence outlined above, the variant was classified as uncertain significance.

Eurofins Ntd Llc (ga)
Classification: Uncertain significance. Last evaluated: 2018-02-13. Review status: criteria provided, single submitter. Criteria: EGL ClinVar v180209 classification definitions. Collection method: clinical testing. Allele origin: germline. Observed: 1 variant allele, 1 heterozygote.

Natera, Inc.
Classification: Uncertain significance for Muscle-eye-brain disease. Last evaluated: 2019-11-11. Review status: no assertion criteria provided. Collection method: clinical testing. Allele origin: germline. Not counted in ClinVar's aggregate classification.

Literature cited by the submitters: PubMed 17576681 (cited by Labcorp Genetics (formerly Invitae), Labcorp); PubMed 9536098 (cited by Labcorp Genetics (formerly Invitae), Labcorp).

NM_017739.4(POMGNT1):c.751+4G>C

Genes: POMGNT1 (protein O-linked mannose N-acetylglucosaminyltransferase 1 (beta 1,2-); minus strand), TSPAN1 (tetraspanin 1; plus strand). Cytogenetic location: 1p34.1.
Variant type: single nucleotide variant.
Coding change: c.751+4G>C on transcript NM_017739.4 (MANE Select); 4 bases into the intron after coding-DNA position 751, G replaced by C.
Molecular consequence: intron variant.
Genome position (GRCh38, 1-based): chr1:46,194,549, C>G on the plus strand (G>C on the coding strand, the complement: POMGNT1 is on the minus strand). VCF-style: chr1-46194549-C-G. GRCh37 (hg19) VCF-style: chr1-46660221-C-G.
Other names: c.751+4G>C (NM_001243766.2, NM_001438686.1, NM_001438688.1 and 3 more transcripts); c.685+4G>C (NM_001290129.3, NM_001438691.1, NM_001438692.1); c.322+4G>C (NM_001290130.2).
Identifiers: ClinVar variation 596021 (VCV000596021.11), dbSNP rs768307488, ClinGen allele CA833627.
Genomic context (GRCh38, chr1:46,194,549, plus strand): 5'-CAGAGAGATCTAAATGCCCACCCCCAGCCCAGGCCCTGCCCCATCCATGCTCCACTAACT[C>G]CACCTTCTGCTGAGCTCAATGGCACATCTGTCTTCAGCAGGACTGGGTCCCCCCAGGAAG-3'